The following is an entry in ClinVar:

ClinVar aggregate classification (germline): Pathogenic/Likely pathogenic. Review status: criteria provided, multiple submitters, no conflicts (2 of 4 stars). 13 submissions from 13 submitters: Pathogenic (10); Likely pathogenic (1). 2 of the submissions do not count toward it. Last evaluated 2026-09-01.

Conditions:
FKTN-related disorder. Also called: FKTN-related disorders; FKTN-related condition.
Walker-Warburg congenital muscular dystrophy. Also called: Muscular dystrophy-dystroglycanopathy, type A; Walker-Warburg syndrome. Identifiers: Orphanet 899, MedGen C0265221, MONDO:0000171.
Cardiovascular phenotype. Identifiers: MedGen CN230736.
Autosomal recessive limb-girdle muscular dystrophy type 2M. Also called: MUSCULAR DYSTROPHY-DYSTROGLYCANOPATHY (LIMB-GIRDLE), TYPE C, 4; MUSCULAR DYSTROPHY, LIMB-GIRDLE, TYPE 2M. Identifiers: Orphanet 206554, MedGen C1969040, MONDO:0012699, OMIM 611588.
Muscular dystrophy-dystroglycanopathy (congenital with brain and eye anomalies), type A, 4 (MDDGA4). Also called: Muscular dystrophy, congenital progressive, with mental retardation; Muscular dystrophy, congenital, with central nervous system involvement; Cerebromuscular dystrophy, Fukuyama type; Fukuyama congenital muscular dystrophy; Walker-Warburg Syndrome, Fktn-Related; Congenital muscular dystrophy-dystroglycanopathy with brain and eye anomalies, type A4. Identifiers: Orphanet 272, Orphanet 588, Orphanet 899, MedGen C0410174, MONDO:0009678, OMIM 253800.
Muscular dystrophy-dystroglycanopathy (congenital without impaired intellectual development), type B, 4. Also called: Muscular dystrophy-dystroglycanopathy (congenital without intellectual disability), type B4; MUSCULAR DYSTROPHY, CONGENITAL, FKTN-RELATED. Identifiers: MedGen C2751052, MONDO:0013156, OMIM 613152.
Muscular dystrophy-dystroglycanopathy (congenital with brain and eye anomalies), type A1 (MDDGA1). Also called: WALKER-WARBURG SYNDROME OR MUSCLE-EYE-BRAIN DISEASE, POMT1-RELATED; Hydrocephalus, agyria and retinal dysplasia; Hard +/- E syndrome; Warburg syndrome; Chemke syndrome; Pagon syndrome. Identifiers: Orphanet 588, Orphanet 899, MedGen C4284790, MONDO:0009364, OMIM 236670.
Dilated cardiomyopathy 1X (CMD1X). Also called: FKTN-Related Dilated Cardiomyopathy; CARDIOMYOPATHY, DILATED, WITH MILD OR NO PROXIMAL MUSCLE WEAKNESS. Identifiers: Orphanet 154, MedGen C1969024, MONDO:0012704, OMIM 611615.

Allele frequency attached by ClinVar (database versions not stated): ExAC 0.00001; gnomAD 0.00001; gnomAD exomes 0.00001; TOPMed 0.00002.
gnomAD v4.1: 38 of 1,613,882 alleles (0.0024%); highest among the groups gnomAD compares: Admixed American, 0.0067%; no homozygotes.

Submissions (13):

CeGaT Center for Human Genetics Tuebingen
Classification: Pathogenic. Last evaluated: 2026-09-01. Review status: criteria provided, single submitter. Criteria: CeGaT Center For Human Genetics Tuebingen Variant Classification Criteria Version 2. Collection method: clinical testing. Allele origin: germline. Affected: yes. Observed: 1 variant allele.
Comment: FKTN: PVS1, PM2, PM3

Labcorp Genetics (formerly Invitae), Labcorp
Classification: Pathogenic for Walker-Warburg congenital muscular dystrophy. Last evaluated: 2026-01-26. Review status: criteria provided, single submitter. Criteria: Invitae Variant Classification Sherloc (09022015). Collection method: clinical testing. Allele origin: germline.
Comment: This sequence change creates a premature translational stop signal (p.Arg203*) in the FKTN gene. It is expected to result in an absent or disrupted protein product. Loss-of-function variants in FKTN are known to be pathogenic (PMID: 17044012, 17878207, 18752264). This variant is present in population databases (rs746763506, gnomAD 0.009%). This premature translational stop signal has been observed in individual(s) with FKTN-related disease (PMID: 11165248, 20961758, 26809617). ClinVar contains an entry for this variant (Variation ID: 225359). For these reasons, this variant has been classified as Pathogenic.

Natera, Inc.
Classification: Likely pathogenic for Walker-Warburg congenital muscular dystrophy. Last evaluated: 2024-07-08. Review status: criteria provided, single submitter. Criteria: Natera Variant Classification Schema (03/2026). Collection method: clinical testing. Allele origin: germline.
Comment: The c.607C>T variant in FKTN is a nonsense variant predicted to introduce a stop codon at amino acid 203. This variant is expected to result in nonsense mediated decay, truncation, or a dysfunctional protein product. This variant is rare in the general population with a frequency below the threshold expected for the associated phenotype(s). Given the available evidence, this variant is classified as Likely Pathogenic.

Revvity Omics, Revvity
Classification: Pathogenic. Last evaluated: 2024-06-24. Review status: criteria provided, single submitter. Criteria: ACMG Guidelines, 2015. Collection method: clinical testing. Allele origin: germline.

Baylor Genetics
Classification: Pathogenic for Dilated cardiomyopathy 1X. Last evaluated: 2024-02-28. Review status: criteria provided, single submitter. Criteria: ACMG Guidelines, 2015. Collection method: clinical testing. Allele origin: unknown.

GeneDx
Classification: Pathogenic. Last evaluated: 2024-02-09. Review status: criteria provided, single submitter. Criteria: GeneDx Variant Classification Process June 2021. Collection method: clinical testing. Allele origin: germline. Affected: yes.
Comment: Nonsense variant predicted to result in protein truncation or nonsense mediated decay in a gene for which loss of function is a known mechanism of disease; Not observed at significant frequency in large population cohorts (gnomAD); This variant is associated with the following publications: (PMID: 20961758, 25525159, 26809617, 28688748, 14627679, 34011823, 11165248)

Blueprint Genetics
Classification: Pathogenic for FKTN-related disorders. Last evaluated: 2024-01-05. Review status: criteria provided, single submitter. Criteria: ACMG Guidelines, 2015. Collection method: clinical testing. Allele origin: germline. Affected: yes. Observed: 2 variant alleles.

Molecular Diagnostic Laboratory for Inherited Cardiovascular Disease, Montreal Heart Institute
Classification: Pathogenic for Cardiovascular phenotype. Last evaluated: 2022-08-15. Review status: criteria provided, single submitter. Criteria: ACMG Guidelines, 2015. Collection method: clinical testing. Allele origin: germline. Affected: yes.

Fulgent Genetics
Classification: Pathogenic for Muscular dystrophy-dystroglycanopathy (congenital with brain and eye anomalies), type A1; Muscular dystrophy-dystroglycanopathy (congenital with brain and eye anomalies), type A, 4; Autosomal recessive limb-girdle muscular dystrophy type 2M; Dilated cardiomyopathy 1X; Muscular dystrophy-dystroglycanopathy (congenital without impaired intellectual development), type B, 4. Last evaluated: 2022-04-01. Review status: criteria provided, single submitter. Criteria: ACMG Guidelines, 2015. Collection method: clinical testing. Allele origin: unknown.

Women's Health and Genetics/Laboratory Corporation of America, LabCorp
Classification: Pathogenic for Muscular dystrophy-dystroglycanopathy (congenital with brain and eye anomalies), type A, 4. Last evaluated: 2016-05-06. Review status: criteria provided, single submitter. Criteria: LabCorp Variant Classification Summary - May 2015. Collection method: clinical testing. Allele origin: germline.
Comment: Variant summary: The FKTN variant, c.607C>T (p.Arg203X) causes a nonsense mutation in exon 5 resulting in a premature termination codon, a known mechanism for disease, as these types of variants are predicted to cause transcript degradation through nonsense mediated decay or produce a truncated protein. The varinat of interest was observed in the large, broad control population, ExAC, with an allele frequency of 1/121290, which does not exceed the estimated maximum expected allele frequency for a pathogenic FKTN variant of 1/200 for Fukuyama Congenital Muscular Dystrophy. The variant of interest has been reported in multiple affected individuals dx with Fukuyama Congenital Muscular Dystrophy (patient was homozygous for variant) and Muscular dystrophy-dystroglycanopathy(limb-girdle) via publications. One reputable database cites the variant as disease-causing. Therefore, taking all available lines of evidence into consideration, the variant of interest is classified as Pathogenic.

Soonchunhyang University Bucheon Hospital, Soonchunhyang University Medical Center
Classification: Pathogenic for Muscular dystrophy-dystroglycanopathy (congenital with brain and eye anomalies), type A, 4; Muscular dystrophy-dystroglycanopathy (congenital without impaired intellectual development), type B, 4; Autosomal recessive limb-girdle muscular dystrophy type 2M. Last evaluated: 2016-03-18. Review status: criteria provided, single submitter. Criteria: ACMG Guidelines, 2015. Collection method: reference population. Allele origin: germline. Observed: 1 variant allele.

Counsyl
Classification: Pathogenic for Muscular dystrophy-dystroglycanopathy (congenital with brain and eye anomalies), type A, 4. Last evaluated: 2017-03-21. Review status: no assertion criteria provided. Collection method: clinical testing. Allele origin: unknown. Not counted in ClinVar's aggregate classification.

KTest Genetics, KTest
Classification: Pathogenic for Dilated cardiomyopathy 1X. Review status: no assertion criteria provided. Criteria: ACMG Guidelines, 2015. Collection method: clinical testing. Allele origin: germline. Affected: yes. Not counted in ClinVar's aggregate classification.

Literature cited by the submitters: PubMed 17044012 (cited by Labcorp Genetics (formerly Invitae), Labcorp); PubMed 17878207 (cited by Labcorp Genetics (formerly Invitae), Labcorp); PubMed 18752264 (cited by Labcorp Genetics (formerly Invitae), Labcorp); PubMed 11165248 (cited by 4 submitters); PubMed 20961758 (cited by Labcorp Genetics (formerly Invitae), Labcorp); PubMed 26809617 (cited by Labcorp Genetics (formerly Invitae), Labcorp and Counsyl); PubMed 14627679 (cited by Soonchunhyang University Bucheon Hospital, Soonchunhyang University Medical Center).

NM_001079802.2(FKTN):c.607C>T (p.Arg203Ter)

Gene: FKTN (fukutin; plus strand). Cytogenetic location: 9q31.2.
Variant type: single nucleotide variant.
Coding change: c.607C>T on transcript NM_001079802.2 (MANE Select); coding-DNA position 607, C replaced by T.
Protein change: p.Arg203Ter; replaces arginine 203 with a stop codon.
Molecular consequence: nonsense. On other transcripts: non-coding transcript variant (2).
Genome position (GRCh38, 1-based): chr9:105,604,452, C>T. VCF-style: chr9-105604452-C-T. GRCh37 (hg19) VCF-style: chr9-108366733-C-T.
Other names: c.607C>T, p.Arg203Ter (NM_001198963.2, NM_001351496.2, NM_001351498.2 and 1 more transcripts); c.538C>T, p.Arg180Ter (NM_001351497.2); c.211C>T, p.Arg71Ter (NM_001351499.2, NM_001351500.2, NM_001351501.2 and 1 more transcripts); short protein forms R203*, R180*, R71*.
Identifiers: ClinVar variation 225359 (VCV000225359.25), dbSNP rs746763506, ClinGen allele CA5170446.